The following is an entry in ClinVar:

NM_004415.4(DSP):c.5847C>A (p.Ser1949=)

Gene: DSP (desmoplakin; plus strand). Cytogenetic location: 6p24.3.
Variant type: single nucleotide variant.
Coding change: c.5847C>A on transcript NM_004415.4 (MANE Select); coding-DNA position 5847, C replaced by A.
Protein change: p.Ser1949=; no amino-acid change (serine 1949 retained).
Molecular consequence: synonymous variant.
Genome position (GRCh38, 1-based): chr6:7,583,109, C>A. VCF-style: chr6-7583109-C-A. GRCh37 (hg19) VCF-style: chr6-7583342-C-A.
Other names: c.4050C>A, p.Ser1350= (NM_001008844.3); c.4518C>A, p.Ser1506= (NM_001319034.2).
Identifiers: ClinVar variation 921096 (VCV000921096.8), dbSNP rs953031251, ClinGen allele CA133972561.

ClinVar aggregate classification (germline): Benign/Likely benign. Review status: criteria provided, multiple submitters, no conflicts (2 of 4 stars). 3 submissions from 3 submitters: Benign (1); Likely benign (2). Last evaluated 2025-09-28.

Conditions:
Arrhythmogenic cardiomyopathy with wooly hair and keratoderma. Also called: PALMOPLANTAR KERATODERMA WITH LEFT VENTRICULAR CARDIOMYOPATHY AND WOOLLY HAIR; Carvajal syndrome; Dilated cardiomyopathy with woolly hair and keratoderma; Arrhythmogenic cardiomyopathy with woolly hair and keratoderma. Identifiers: Orphanet 65282, MedGen C1854063, MONDO:0011581, OMIM 605676.
Arrhythmogenic right ventricular dysplasia 8 (ARVD8). Also called: Arrhythmogenic Right Ventricular Dysplasia/Cardiomyopathy 8; ARRHYTHMOGENIC RIGHT VENTRICULAR DYSPLASIA, FAMILIAL, 8; ARRHYTHMOGENIC RIGHT VENTRICULAR CARDIOMYOPATHY 8. Identifiers: MedGen C1843896, MONDO:0011831, OMIM 607450.
Cardiomyopathy (CMYO). Also called: Cardiomyopathies. Identifiers: Orphanet 167848, MedGen C0878544, MONDO:0004994, HP:0001638. Inheritance: Various modes of inheritance.

Allele frequency attached by ClinVar (database versions not stated): gnomAD exomes below 0.00001; gnomAD 0.00001; TOPMed 0.00001.
gnomAD v4.1: 2 of 1,613,998 alleles (0.00012%); highest among the groups gnomAD compares: Middle Eastern, 0.016%; no homozygotes.

Submissions (3):

Labcorp Genetics (formerly Invitae), Labcorp
Classification: Benign for Arrhythmogenic cardiomyopathy with wooly hair and keratoderma; Arrhythmogenic right ventricular dysplasia 8. Last evaluated: 2025-09-28. Review status: criteria provided, single submitter. Criteria: Invitae Variant Classification Sherloc (09022015). Collection method: clinical testing. Allele origin: germline.

All of Us Research Program, National Institutes of Health
Classification: Likely benign for Arrhythmogenic cardiomyopathy with wooly hair and keratoderma. Last evaluated: 2023-04-28. Review status: criteria provided, single submitter. Criteria: ACMG Guidelines, 2015. Collection method: clinical testing. Allele origin: germline. Inheritance: Autosomal dominant inheritance. Observed: 1 variant allele, 1 heterozygote.
Comment: This study involves interpretation of variants in research participants for the purpose of population health screening. Participant phenotype was not available at the time of variant classification. Additional details can be found in publication PMID: 35346344, PMCID: PMC8962531

Color Diagnostics, LLC DBA Color Health
Classification: Likely benign for Cardiomyopathy. Last evaluated: 2019-12-09. Review status: criteria provided, single submitter. Criteria: ACMG Guidelines, 2015. Collection method: clinical testing. Allele origin: germline.